The following is an entry in ClinVar:

ClinVar aggregate classification (germline): Uncertain significance (1 of 4 stars; one submission).

gnomAD v4.1: 7 of 1,614,050 alleles (0.00043%); highest among the groups gnomAD compares: African/African-American, 0.004%; no homozygotes.

Submission:

GeneDx
Classification: Uncertain significance. Last evaluated: 2023-05-24. Review status: criteria provided, single submitter. Criteria: GeneDx Variant Classification Process June 2021. Collection method: clinical testing. Allele origin: germline. Affected: yes.
Comment: Not observed at significant frequency in large population cohorts (gnomAD); In silico analysis supports that this missense variant has a deleterious effect on protein structure/function; Has not been previously published as pathogenic or benign to our knowledge

NM_012309.5(SHANK2):c.2504C>T (p.Pro835Leu)

Gene: SHANK2 (SH3 and multiple ankyrin repeat domains 2; minus strand). Cytogenetic location: 11q13.3.
Variant type: single nucleotide variant.
Coding change: c.2504C>T on transcript NM_012309.5 (MANE Select); coding-DNA position 2504, C replaced by T.
Protein change: p.Pro835Leu; replaces proline 835 with leucine.
Molecular consequence: missense variant. On other transcripts: non-coding transcript variant (1).
Genome position (GRCh38, 1-based): chr11:70,490,323, G>A on the plus strand (C>T on the coding strand, the complement: SHANK2 is on the minus strand). VCF-style: chr11-70490323-G-A. GRCh37 (hg19) VCF-style: chr11-70336428-G-A.
Other names: c.1367C>T, p.Pro456Leu (NM_001379226.1); c.740C>T, p.Pro247Leu (NM_133266.5); short protein forms P247L, P456L, P835L.
Identifiers: ClinVar variation 3343793 (VCV003343793.1).